The following is an entry in ClinVar:

ClinVar aggregate classification (germline): Benign/Likely benign. Review status: criteria provided, multiple submitters, no conflicts (2 of 4 stars). 3 submissions from 3 submitters: Benign (1); Likely benign (1). 1 of the submissions does not count toward it. Last evaluated 2025-10-27.

Conditions:
PTF1A-related disorder. Also called: PTF1A-related condition.

Allele frequency attached by ClinVar (database versions not stated): ESP Exome Variant Server 0.00092; 1000 Genomes Project 30x 0.00094; 1000 Genomes Project 0.00100.

Submissions (3):

Labcorp Genetics (formerly Invitae), Labcorp
Classification: Benign. Last evaluated: 2025-10-27. Review status: criteria provided, single submitter. Criteria: Invitae Variant Classification Sherloc (09022015). Collection method: clinical testing. Allele origin: germline.

Blueprint Genetics
Classification: Likely benign. Last evaluated: 2024-01-23. Review status: criteria provided, single submitter. Criteria: ACMG Guidelines, 2015. Collection method: clinical testing. Allele origin: germline.

PreventionGenetics, part of Exact Sciences
Classification: Likely benign for PTF1A-related condition. Last evaluated: 2022-08-26. Review status: no assertion criteria provided. Collection method: clinical testing. Allele origin: germline. Not counted in ClinVar's aggregate classification.
Comment: This variant is classified as likely benign based on ACMG/AMP sequence variant interpretation guidelines (Richards et al. 2015 PMID: 25741868, with internal and published modifications).

NM_178161.3(PTF1A):c.969A>T (p.Pro323=)

Gene: PTF1A (pancreas associated transcription factor 1a; plus strand). Cytogenetic location: 10p12.2.
Variant type: single nucleotide variant.
Coding change: c.969A>T on transcript NM_178161.3 (MANE Select); coding-DNA position 969, A replaced by T.
Protein change: p.Pro323=; no amino-acid change (proline 323 retained).
Molecular consequence: synonymous variant.
Genome position (GRCh38, 1-based): chr10:23,193,888, A>T. VCF-style: chr10-23193888-A-T. GRCh37 (hg19) VCF-style: chr10-23482817-A-T.
Other names: c.969A>T (NM_178161.2).
Identifiers: ClinVar variation 2150325 (VCV002150325.7), dbSNP rs147793897, ClinGen allele CA5438660.